The following is an entry in ClinVar:

ClinVar aggregate classification (germline): Uncertain significance (1 of 4 stars; one submission).

Submission:

Labcorp Genetics (formerly Invitae), Labcorp
Classification: Uncertain significance. Last evaluated: 2022-07-16. Review status: criteria provided, single submitter. Criteria: Invitae Variant Classification Sherloc (09022015). Collection method: clinical testing. Allele origin: germline.
Comment: In summary, the available evidence is currently insufficient to determine the role of this variant in disease. Therefore, it has been classified as a Variant of Uncertain Significance. Algorithms developed to predict the effect of missense changes on protein structure and function (SIFT, PolyPhen-2, Align-GVGD) all suggest that this variant is likely to be tolerated. This variant has not been reported in the literature in individuals affected with POLA1-related conditions. This variant is not present in population databases (gnomAD no frequency). This sequence change replaces leucine, which is neutral and non-polar, with phenylalanine, which is neutral and non-polar, at codon 506 of the POLA1 protein (p.Leu506Phe).

NM_001330360.2(POLA1):c.1534C>T (p.Leu512Phe)

Gene: POLA1 (DNA polymerase alpha 1, catalytic subunit; plus strand). Cytogenetic location: Xp22.11.
Variant type: single nucleotide variant.
Coding change: c.1534C>T on transcript NM_001330360.2 (MANE Select); coding-DNA position 1534, C replaced by T.
Protein change: p.Leu512Phe; replaces leucine 512 with phenylalanine.
Molecular consequence: missense variant. On other transcripts: non-coding transcript variant (2).
Genome position (GRCh38, 1-based): chrX:24,727,784, C>T. VCF-style: chrX-24727784-C-T. GRCh37 (hg19) VCF-style: chrX-24745901-C-T.
Other names: c.1459C>T, p.Leu487Phe (NM_001378303.1); c.1516C>T, p.Leu506Phe (NM_016937.4); short protein forms L487F, L506F, L512F.
Identifiers: ClinVar variation 1715851 (VCV001715851.5), dbSNP rs145173850, ClinGen allele CA412534100.